The following is an entry in ClinVar:

NM_001184.4(ATR):c.7411C>G (p.Leu2471Val)

Gene: ATR (ATR serine/threonine kinase; minus strand). Cytogenetic location: 3q23.
Variant type: single nucleotide variant.
Coding change: c.7411C>G on transcript NM_001184.4 (MANE Select); coding-DNA position 7411, C replaced by G.
Protein change: p.Leu2471Val; replaces leucine 2471 with valine.
Molecular consequence: missense variant.
Genome position (GRCh38, 1-based): chr3:142,459,050, G>C on the plus strand (C>G on the coding strand, the complement: ATR is on the minus strand). VCF-style: chr3-142459050-G-C. GRCh37 (hg19) VCF-style: chr3-142177892-G-C.
Other names: c.7219C>G, p.Leu2407Val (NM_001354579.2); short protein forms L2407V, L2471V.
Identifiers: ClinVar variation 857843 (VCV000857843.7), dbSNP rs150286172, ClinGen allele CA2649137.

ClinVar aggregate classification (germline): Uncertain significance (1 of 4 stars; one submission).

gnomAD v4.1: 8 of 1,613,850 alleles (0.0005%); highest among the groups gnomAD compares: Admixed American, 0.0067%; no homozygotes.

Submission:

Labcorp Genetics (formerly Invitae), Labcorp
Classification: Uncertain significance. Last evaluated: 2022-07-10. Review status: criteria provided, single submitter. Criteria: Invitae Variant Classification Sherloc (09022015). Collection method: clinical testing. Allele origin: germline.
Comment: This sequence change replaces leucine, which is neutral and non-polar, with valine, which is neutral and non-polar, at codon 2471 of the ATR protein (p.Leu2471Val). This variant is present in population databases (rs150286172, gnomAD 0.009%). This variant has not been reported in the literature in individuals affected with ATR-related conditions. ClinVar contains an entry for this variant (Variation ID: 857843). Algorithms developed to predict the effect of missense changes on protein structure and function are either unavailable or do not agree on the potential impact of this missense change (SIFT: "Deleterious"; PolyPhen-2: "Probably Damaging"; Align-GVGD: "Class C0"). In summary, the available evidence is currently insufficient to determine the role of this variant in disease. Therefore, it has been classified as a Variant of Uncertain Significance.